The following is an entry in ClinVar:

NM_032383.5(HPS3):c.1905T>A (p.Tyr635Ter)

Gene: HPS3 (HPS3 biogenesis of lysosomal organelles complex 2 subunit 1; plus strand). Cytogenetic location: 3q24.
Variant type: single nucleotide variant.
Coding change: c.1905T>A on transcript NM_032383.5 (MANE Select); coding-DNA position 1905, T replaced by A.
Protein change: p.Tyr635Ter; replaces tyrosine 635 with a stop codon.
Molecular consequence: nonsense.
Genome position (GRCh38, 1-based): chr3:149,160,078, T>A. VCF-style: chr3-149160078-T-A. GRCh37 (hg19) VCF-style: chr3-148877865-T-A.
Other names: c.1410T>A, p.Tyr470Ter (NM_001308258.2); short protein forms Y470*, Y635*.
Identifiers: ClinVar variation 5014964 (VCV005014964.1).

ClinVar aggregate classification (germline): Pathogenic (1 of 4 stars; one submission).

Conditions:
Hermansky-Pudlak syndrome 3 (HPS3). Identifiers: Orphanet 231512, Orphanet 79430, MedGen C3888001, MONDO:0013555, OMIM 614072.

Submission:

Myriad Genetics, Inc.
Classification: Pathogenic for Hermansky-Pudlak syndrome 3. Last evaluated: 2025-09-11. Review status: criteria provided, single submitter. Criteria: Myriad Autosomal Dominant, Autosomal Recessive and X-Linked Classification Criteria (2023). Collection method: clinical testing. Allele origin: unknown.
Comment: NM_032383.3(HPS3):c.1905T>A(Y635*) is expected to be pathogenic in the context of Hermansky-Pudlak syndrome, HPS3-related. This variant is predicted to lead to an abnormal or absent protein product due to the creation of a premature termination codon in HPS3, a gene where loss-of-function variants are known to be pathogenic. Please note: this variant was assessed in the context of healthy population screening.